The following is an entry in ClinVar:

ClinVar aggregate classification (germline): Uncertain significance (1 of 4 stars; one submission).

Conditions:
Nemaline myopathy 2 (NEM2). Also called: Nemaline myopathy 2, autosomal recessive. Identifiers: MedGen C1850569, MONDO:0009725, OMIM 256030.

Allele frequency attached by ClinVar (database versions not stated): gnomAD exomes below 0.00001.
gnomAD v4.1: 1 of 1,613,122 alleles (0.000062%); highest among the groups gnomAD compares: South Asian, 0.0011%; no homozygotes.

Submission:

Labcorp Genetics (formerly Invitae), Labcorp
Classification: Uncertain significance for Nemaline myopathy 2. Last evaluated: 2024-01-22. Review status: criteria provided, single submitter. Criteria: Invitae Variant Classification Sherloc (09022015). Collection method: clinical testing. Allele origin: germline.
Comment: This sequence change replaces lysine, which is basic and polar, with arginine, which is basic and polar, at codon 875 of the NEB protein (p.Lys875Arg). This variant is not present in population databases (gnomAD no frequency). This variant has not been reported in the literature in individuals affected with NEB-related conditions. ClinVar contains an entry for this variant (Variation ID: 1971616). Experimental studies and prediction algorithms are not available or were not evaluated, and the functional significance of this variant is currently unknown. In summary, the available evidence is currently insufficient to determine the role of this variant in disease. Therefore, it has been classified as a Variant of Uncertain Significance.

NM_001164508.2(NEB):c.2624A>G (p.Lys875Arg)

Gene: NEB (nebulin; minus strand). Cytogenetic location: 2q23.3.
Variant type: single nucleotide variant.
Coding change: c.2624A>G on transcript NM_001164508.2 (MANE Select); coding-DNA position 2624, A replaced by G.
Protein change: p.Lys875Arg; replaces lysine 875 with arginine.
Molecular consequence: missense variant.
Genome position (GRCh38, 1-based): chr2:151,687,432, T>C on the plus strand (A>G on the coding strand, the complement: NEB is on the minus strand). VCF-style: chr2-151687432-T-C. GRCh37 (hg19) VCF-style: chr2-152543946-T-C.
Other names: c.2624A>G, p.Lys875Arg (NM_001164507.2, NM_001271208.2, NM_004543.5); short protein forms K875R.
Identifiers: ClinVar variation 1971616 (VCV001971616.5), dbSNP rs2552266067, ClinGen allele CA348822544.